The following is an entry in ClinVar:

NM_003601.4(SMARCA5):c.374C>T (p.Pro125Leu)

Gene: SMARCA5 (SNF2 related chromatin remodeling ATPase 5; plus strand). Cytogenetic location: 4q31.21.
Variant type: single nucleotide variant.
Coding change: c.374C>T on transcript NM_003601.4 (MANE Select); coding-DNA position 374, C replaced by T.
Protein change: p.Pro125Leu; replaces proline 125 with leucine.
Molecular consequence: missense variant.
Genome position (GRCh38, 1-based): chr4:143,521,550, C>T. VCF-style: chr4-143521550-C-T. GRCh37 (hg19) VCF-style: chr4-144442703-C-T.
Other names: short protein forms P125L.
Identifiers: ClinVar variation 3898832 (VCV003898832.1).
Genomic context (GRCh38, chr4:143,521,550, plus strand): 5'-TCATTCAACCTGCTGCTCAGAAGACTCCAACTTCACCTTTGAAGATGAAACCAGGGCGCC[C>T]ACGAATAAAAAAAGATGAGAAGCAGAACTTACTATCCGTTGGCGAGTGAGTAATAGTTTA-3'
Protein context (NP_003592.3, residues 115-135): TSPLKMKPGR[Pro125Leu]RIKKDEKQNL

ClinVar aggregate classification (germline): Uncertain significance (1 of 4 stars; one submission).

Submission:

GeneDx
Classification: Uncertain significance. Last evaluated: 2024-11-12. Review status: criteria provided, single submitter. Criteria: GeneDx Variant Classification Process June 2021. Collection method: clinical testing. Allele origin: germline. Affected: yes.
Comment: Not observed at significant frequency in large population cohorts (gnomAD); In silico analysis supports that this missense variant has a deleterious effect on protein structure/function; Has not been previously published as pathogenic or benign to our knowledge